The following is an entry in ClinVar:

NM_000365.6(TPI1):c.599C>T (p.Ala200Val)

Gene: TPI1 (triosephosphate isomerase 1; plus strand). Cytogenetic location: 12p13.31.
Variant type: single nucleotide variant.
Coding change: c.599C>T on transcript NM_000365.6 (MANE Select); coding-DNA position 599, C replaced by T.
Protein change: p.Ala200Val; replaces alanine 200 with valine.
Molecular consequence: missense variant.
Genome position (GRCh38, 1-based): chr12:6,870,104, C>T. VCF-style: chr12-6870104-C-T. GRCh37 (hg19) VCF-style: chr12-6979268-C-T.
Other names: p.Ala200Val; c.710C>T, p.Ala237Val (NM_001159287.1); c.353C>T, p.Ala118Val (NM_001258026.2); short protein forms A200V, A118V, A237V.
Identifiers: ClinVar variation 881845 (VCV000881845.7), dbSNP rs139532537, ClinGen allele CA6419002.

ClinVar aggregate classification (germline): Uncertain significance. Review status: criteria provided, multiple submitters, no conflicts (2 of 4 stars). 3 submissions from 3 submitters: Uncertain significance (3). Last evaluated 2025-02-26.

Conditions:
Inborn genetic diseases. Identifiers: MedGen C0950123, MeSH D030342.
Triosephosphate isomerase deficiency (TPID). Also called: Triose phosphate isomerase deficiency. Identifiers: Orphanet 868, MedGen C1860808, MONDO:0014221, OMIM 615512.

Allele frequency attached by ClinVar (database versions not stated): ExAC 0.00003; gnomAD 0.00003 and 0.00004; TOPMed 0.00003; gnomAD exomes 0.00004; ESP Exome Variant Server 0.00008; 1000 Genomes Project 0.00020; 1000 Genomes Project 30x 0.00031.

Submissions (3):

Mayo Clinic Laboratories, Mayo Clinic
Classification: Uncertain significance. Last evaluated: 2025-02-26. Review status: criteria provided, single submitter. Criteria: ACMG Guidelines, 2015. Collection method: clinical testing. Allele origin: germline. Observed: 2 variant alleles.
Comment: BP4

Ambry Genetics
Classification: Uncertain significance for Inborn genetic diseases. Last evaluated: 2022-05-18. Review status: criteria provided, single submitter. Criteria: Ambry Variant Classification Scheme 2023. Collection method: clinical testing. Allele origin: germline.

Illumina Laboratory Services, Illumina
Classification: Uncertain significance for Triosephosphate isomerase deficiency. Last evaluated: 2018-01-12. Review status: criteria provided, single submitter. Criteria: ICSL Variant Classification Criteria 13 December 2019. Collection method: clinical testing. Allele origin: germline.